The following is an entry in ClinVar:

ClinVar aggregate classification (germline): Uncertain significance. Review status: criteria provided, multiple submitters, no conflicts (2 of 4 stars). 2 submissions from 2 submitters: Uncertain significance (2). Last evaluated 2023-03-23.

Allele frequency attached by ClinVar (database versions not stated): TOPMed below 0.00001; gnomAD 0.00001.
gnomAD v4.1: 3 of 1,613,922 alleles (0.00019%); highest among the groups gnomAD compares: Non-Finnish European, 0.00025%; no homozygotes.

Submissions (2):

Women's Health and Genetics/Laboratory Corporation of America, LabCorp
Classification: Uncertain significance. Last evaluated: 2023-03-23. Review status: criteria provided, single submitter. Criteria: LabCorp Variant Classification Summary - May 2015. Collection method: clinical testing. Allele origin: germline.
Comment: Variant summary: ACAN c.324C>G (p.Asn108Lys) results in a non-conservative amino acid change located in the Immunoglobulin subtype domain (IPR003599) of the encoded protein sequence. Three of five in-silico tools predict a damaging effect of the variant on protein function. The variant allele was found at a frequency of 4e-06 (i.e., in 1 heterozygous carrier) in 249128 control chromosomes (gnomAD v2.1, Exomes cohort). The available data on variant occurrences in the general population are insufficient to allow any conclusion about variant significance. To our knowledge, no occurrence of c.324C>G in individuals affected with ACAN-Related Disorders and no experimental evidence demonstrating its impact on protein function have been reported. One clinical diagnostic laboratory has submitted clinical-significance assessments for this variant to ClinVar after 2014 and classified the variant as uncertain significance. Based on the evidence outlined above, the variant was classified as uncertain significance.

Labcorp Genetics (formerly Invitae), Labcorp
Classification: Uncertain significance. Last evaluated: 2022-09-29. Review status: criteria provided, single submitter. Criteria: Invitae Variant Classification Sherloc (09022015). Collection method: clinical testing. Allele origin: germline.
Comment: In summary, the available evidence is currently insufficient to determine the role of this variant in disease. Therefore, it has been classified as a Variant of Uncertain Significance. Advanced modeling of protein sequence and biophysical properties (such as structural, functional, and spatial information, amino acid conservation, physicochemical variation, residue mobility, and thermodynamic stability) performed at Invitae indicates that this missense variant is not expected to disrupt ACAN protein function. This variant has not been reported in the literature in individuals affected with ACAN-related conditions. This variant is present in population databases (no rsID available, gnomAD 0.0009%). This sequence change replaces asparagine, which is neutral and polar, with lysine, which is basic and polar, at codon 108 of the ACAN protein (p.Asn108Lys).

NM_001369268.1(ACAN):c.324C>G (p.Asn108Lys)

Gene: ACAN (aggrecan; plus strand). Cytogenetic location: 15q26.1.
Variant type: single nucleotide variant.
Coding change: c.324C>G on transcript NM_001369268.1 (MANE Select); coding-DNA position 324, C replaced by G.
Protein change: p.Asn108Lys; replaces asparagine 108 with lysine.
Molecular consequence: missense variant.
Genome position (GRCh38, 1-based): chr15:88,838,916, C>G. VCF-style: chr15-88838916-C-G. GRCh37 (hg19) VCF-style: chr15-89382147-C-G.
Other names: c.324C>G, p.Asn108Lys (NM_001135.4, NM_001411096.1, NM_001411097.1 and 1 more transcripts); short protein forms N108K.
Identifiers: ClinVar variation 1940846 (VCV001940846.6), dbSNP rs771780380, ClinGen allele CA393715206.